The following is an entry in ClinVar:

ClinVar aggregate classification (germline): Uncertain significance (1 of 4 stars; one submission).

Submission:

Labcorp Genetics (formerly Invitae), Labcorp
Classification: Uncertain significance. Last evaluated: 2023-03-13. Review status: criteria provided, single submitter. Criteria: Invitae Variant Classification Sherloc (09022015). Collection method: clinical testing. Allele origin: germline.
Comment: This variant has not been reported in the literature in individuals affected with ALPK3-related conditions. This variant is not present in population databases (gnomAD no frequency). This sequence change results in a frameshift in the ALPK3 gene (p.Gln1893Hisfs*44). While this is not anticipated to result in nonsense mediated decay, it is expected to disrupt the last 15 amino acid(s) of the ALPK3 protein and extend the protein by 28 additional amino acid residues. In summary, the available evidence is currently insufficient to determine the role of this variant in disease. Therefore, it has been classified as a Variant of Uncertain Significance.

NM_020778.5(ALPK3):c.5073_5077del (p.Gln1691fs)

Gene: ALPK3 (alpha kinase 3; plus strand). Cytogenetic location: 15q25.3.
Variant type: Deletion.
Coding change: c.5073_5077del on transcript NM_020778.5 (MANE Select); coding-DNA positions 5073 to 5077, 5 bases deleted (GCCTC; older notation c.5073_5077delGCCTC).
Protein change: p.Gln1691fs; shifts the reading frame from glutamine 1691.
Molecular consequence: frameshift variant.
Genome position (GRCh38, 1-based): chr15:84,868,411-84,868,415, GCCTC deleted. VCF-style (leftmost placement, unchanged base first): chr15-84868410-AGCCTC-A. GRCh37 (hg19) VCF-style: chr15-85411641-AGCCTC-A.
Other names: short protein forms Q1691fs.
Identifiers: ClinVar variation 2955202 (VCV002955202.3), dbSNP rs2505733828, ClinGen allele CA2740096746.